The following is an entry in ClinVar:

ClinVar aggregate classification (germline): Pathogenic (1 of 4 stars; one submission).

Conditions:
FGFR2-related craniosynostosis. Identifiers: MedGen CN231480.

Submission:

Labcorp Genetics (formerly Invitae), Labcorp
Classification: Pathogenic for FGFR2-related craniosynostosis. Last evaluated: 2022-11-08. Review status: criteria provided, single submitter. Criteria: Invitae Variant Classification Sherloc (09022015). Collection method: clinical testing. Allele origin: germline.
Comment: For these reasons, this variant has been classified as Pathogenic. A similar copy number variant has been observed in individual(s) with Apert syndrome (Invitae). In at least one individual the variant was observed to be de novo. This variant is a gross deletion of the genomic region encompassing exon(s) 8 of the FGFR2 gene. This deletion is out-of-frame, and is expected to create a premature translational stop signal and result in an absent or disrupted protein product. However, the current clinical and genetic evidence is not sufficient to establish whether loss-of-function variants in FGFR2 cause disease.

NC_000010.10:g.(?_123276813)_(123276997_?)del

Gene: FGFR2 (fibroblast growth factor receptor 2; minus strand). Cytogenetic location: 10q26.13.
Variant type: Deletion.
Identifiers: ClinVar variation 1073828 (VCV001073828.6).